The following is an entry in ClinVar:

ClinVar aggregate classification (germline): Uncertain significance (1 of 4 stars; one submission).

Conditions:
Developmental and epileptic encephalopathy, 31A. Also called: Developmental and epileptic encephalopathy, 31; Epileptic encephalopathy, early infantile, 31. Identifiers: Orphanet 2382, MedGen C4225357, MONDO:0014598, OMIM 616346.

Submission:

Labcorp Genetics (formerly Invitae), Labcorp
Classification: Uncertain significance for Developmental and epileptic encephalopathy, 31A. Last evaluated: 2018-08-27. Review status: criteria provided, single submitter. Criteria: Invitae Variant Classification Sherloc (09022015). Collection method: clinical testing. Allele origin: germline.
Comment: This sequence change replaces glutamic acid with glycine at codon 720 of the DNM1 protein (p.Glu720Gly). The glutamic acid residue is moderately conserved and there is a moderate physicochemical difference between glutamic acid and glycine. This variant is not present in population databases (ExAC no frequency). This variant has not been reported in the literature in individuals with DNM1-related disease. Algorithms developed to predict the effect of missense changes on protein structure and function (SIFT, PolyPhen-2, Align-GVGD) all suggest that this variant is likely to be tolerated, but these predictions have not been confirmed by published functional studies and their clinical significance is uncertain. In summary, the available evidence is currently insufficient to determine the role of this variant in disease. Therefore, it has been classified as a Variant of Uncertain Significance.

NM_004408.4(DNM1):c.2159A>G (p.Glu720Gly)

Gene: DNM1 (dynamin 1; plus strand). Cytogenetic location: 9q34.11.
Variant type: single nucleotide variant.
Coding change: c.2159A>G on transcript NM_004408.4 (MANE Select); coding-DNA position 2159, A replaced by G.
Protein change: p.Glu720Gly; replaces glutamic acid 720 with glycine.
Molecular consequence: missense variant.
Genome position (GRCh38, 1-based): chr9:128,250,197, A>G. VCF-style: chr9-128250197-A-G. GRCh37 (hg19) VCF-style: chr9-131012476-A-G.
Other names: c.2159A>G, p.Glu720Gly (NM_001005336.3, NM_001288737.2, NM_001288738.2 and 1 more transcripts); short protein forms E720G.
Identifiers: ClinVar variation 641490 (VCV000641490.9), dbSNP rs1588457823, ClinGen allele CA375000814.